The following is an entry in ClinVar:

ClinVar aggregate classification (germline): Uncertain significance (1 of 4 stars; one submission).

Submission:

Labcorp Genetics (formerly Invitae), Labcorp
Classification: Uncertain significance. Last evaluated: 2020-12-26. Review status: criteria provided, single submitter. Criteria: Invitae Variant Classification Sherloc (09022015). Collection method: clinical testing. Allele origin: germline.
Comment: In summary, the available evidence is currently insufficient to determine the role of this variant in disease. Therefore, it has been classified as a Variant of Uncertain Significance. Experimental studies and prediction algorithms are not available or were not evaluated, and the functional significance of this variant is currently unknown. This variant has not been reported in the literature in individuals with TOP2B-related conditions. This variant is not present in population databases (ExAC no frequency). This variant, c.4153_4155del, results in the deletion of 1 amino acid(s) of the TOP2B protein (p.Asn1385del), but otherwise preserves the integrity of the reading frame.

NM_001330700.2(TOP2B):c.4165AAT[1] (p.Asn1390del)

Gene: TOP2B (DNA topoisomerase II beta; minus strand). Cytogenetic location: 3p24.2.
Variant type: Microsatellite.
Coding change: c.4165AAT[1] on transcript NM_001330700.2 (MANE Select); one copy of the 3-base unit AAT starting at c.4165; the reference has two copies in a row; one copy, 3 bases deleted.
Protein change: p.Asn1390del; deletes asparagine 1390.
Molecular consequence: inframe deletion.
Genome position (GRCh38, 1-based): chr3:25,607,299-25,607,301, ATT deleted on the plus strand (AAT on the coding strand, the reverse complement: TOP2B is on the minus strand); deleting any 3 consecutive bases within chr3:25,607,299-25,607,304 gives the same sequence; the position shown is the placement nearest the transcript's 3' end. VCF-style (leftmost placement, unchanged base first): chr3-25607298-CATT-C. GRCh37 (hg19) VCF-style: chr3-25648789-CATT-C.
Other names: c.4150AAT[1], p.Asn1385del (NM_001068.3); short protein forms N1385del, N1390del.
Identifiers: ClinVar variation 1512124 (VCV001512124.8), dbSNP rs2125348502, ClinGen allele CA2580614155.